The following is an entry in ClinVar:

NM_145239.3(PRRT2):c.136G>A (p.Glu46Lys)

Genes: MVP-DT (MVP divergent transcript; minus strand), PRRT2 (proline rich transmembrane protein 2; plus strand). Cytogenetic location: 16p11.2.
Variant type: single nucleotide variant.
Coding change: c.136G>A on transcript NM_145239.3 (MANE Select); coding-DNA position 136, G replaced by A.
Protein change: p.Glu46Lys; replaces glutamic acid 46 with lysine.
Molecular consequence: missense variant.
Genome position (GRCh38, 1-based): chr16:29,813,190, G>A. VCF-style: chr16-29813190-G-A. GRCh37 (hg19) VCF-style: chr16-29824511-G-A.
Other names: c.136G>A, p.Glu46Lys (NM_001256442.2, NM_001256443.2); short protein forms E46K.
Identifiers: ClinVar variation 2184330 (VCV002184330.4), dbSNP rs1456787900, ClinGen allele CA395477422.

ClinVar aggregate classification (germline): Uncertain significance (1 of 4 stars; one submission).

Conditions:
Episodic kinesigenic dyskinesia (EKD). Also called: Paroxysmal kinesigenic dyskinesia. Identifiers: Orphanet 98809, MedGen C1868682, MONDO:0044202.

gnomAD v4.1: 3 of 1,613,952 alleles (0.00019%); highest among the groups gnomAD compares: Non-Finnish European, 0.00025%; no homozygotes.

Submission:

Labcorp Genetics (formerly Invitae), Labcorp
Classification: Uncertain significance for Episodic kinesigenic dyskinesia. Last evaluated: 2022-12-19. Review status: criteria provided, single submitter. Criteria: Invitae Variant Classification Sherloc (09022015). Collection method: clinical testing. Allele origin: germline.
Comment: In summary, the available evidence is currently insufficient to determine the role of this variant in disease. Therefore, it has been classified as a Variant of Uncertain Significance. Advanced modeling of protein sequence and biophysical properties (such as structural, functional, and spatial information, amino acid conservation, physicochemical variation, residue mobility, and thermodynamic stability) performed at Invitae indicates that this missense variant is not expected to disrupt PRRT2 protein function. This variant has not been reported in the literature in individuals affected with PRRT2-related conditions. This variant is present in population databases (no rsID available, gnomAD 0.0009%). This sequence change replaces glutamic acid, which is acidic and polar, with lysine, which is basic and polar, at codon 46 of the PRRT2 protein (p.Glu46Lys).